The following is an entry in ClinVar:

NM_053025.4(MYLK):c.3682C>T (p.Pro1228Ser)

Gene: MYLK (myosin light chain kinase; minus strand). Cytogenetic location: 3q21.1.
Variant type: single nucleotide variant.
Coding change: c.3682C>T on transcript NM_053025.4 (MANE Select); coding-DNA position 3682, C replaced by T.
Protein change: p.Pro1228Ser; replaces proline 1228 with serine.
Molecular consequence: missense variant.
Genome position (GRCh38, 1-based): chr3:123,667,158, G>A on the plus strand (C>T on the coding strand, the complement: MYLK is on the minus strand). VCF-style: chr3-123667158-G-A. GRCh37 (hg19) VCF-style: chr3-123386005-G-A.
Other names: c.3475C>T, p.Pro1159Ser (NM_053026.4, NM_053028.4); c.3682C>T, p.Pro1228Ser (NM_053027.4); c.3154C>T, p.Pro1052Ser (NM_001321309.2); short protein forms P1052S, P1159S, P1228S.
Identifiers: ClinVar variation 4115059 (VCV004115059.1).

ClinVar aggregate classification (germline): Uncertain significance (1 of 4 stars; one submission).

Conditions:
Familial thoracic aortic aneurysm and aortic dissection (TAAD). Also called: Thoracic aortic aneurysms and dissections. Identifiers: Orphanet 91387, MedGen C4707243, MONDO:0019625.

gnomAD v4.1: 1 of 1,614,134 alleles (0.000062%); highest among the groups gnomAD compares: African/African-American, 0.0013%; no homozygotes.

Submission:

Ambry Genetics
Classification: Uncertain significance for Familial thoracic aortic aneurysm and aortic dissection. Last evaluated: 2025-08-09. Review status: criteria provided, single submitter. Criteria: Ambry Variant Classification Scheme 2023. Collection method: clinical testing. Allele origin: germline.
Comment: The p.P1228S variant (also known as c.3682C>T), located in coding exon 18 of the MYLK gene, results from a C to T substitution at nucleotide position 3682. The proline at codon 1228 is replaced by serine, an amino acid with similar properties. This amino acid position is conserved. In addition, this alteration is predicted to be tolerated by in silico analysis. Based on the available evidence, the clinical significance of this variant remains unclear.